The following is an entry in ClinVar:

ClinVar aggregate classification (germline): Uncertain significance. Review status: criteria provided, multiple submitters, no conflicts (2 of 4 stars). 2 submissions from 2 submitters: Uncertain significance (2). Last evaluated 2023-07-03.

Allele frequency attached by ClinVar (database versions not stated): TOPMed 0.00003; gnomAD 0.00007; ExAC 0.00008; ESP Exome Variant Server 0.00008; gnomAD exomes 0.00008.
gnomAD v4.1: 126 of 1,613,414 alleles (0.0078%); highest among the groups gnomAD compares: Non-Finnish European, 0.0097%; no homozygotes.

Submissions (2):

Labcorp Genetics (formerly Invitae), Labcorp
Classification: Uncertain significance. Last evaluated: 2023-07-03. Review status: criteria provided, single submitter. Criteria: Invitae Variant Classification Sherloc (09022015). Collection method: clinical testing. Allele origin: germline.
Comment: This sequence change replaces arginine, which is basic and polar, with cysteine, which is neutral and slightly polar, at codon 229 of the FMN1 protein (p.Arg229Cys). This variant is present in population databases (rs377620967, gnomAD 0.01%). This variant has not been reported in the literature in individuals affected with FMN1-related conditions. ClinVar contains an entry for this variant (Variation ID: 2371220). Experimental studies and prediction algorithms are not available or were not evaluated, and the functional significance of this variant is currently unknown. In summary, the available evidence is currently insufficient to determine the role of this variant in disease. Therefore, it has been classified as a Variant of Uncertain Significance.

Ambry Genetics
Classification: Uncertain significance. Last evaluated: 2021-10-06. Review status: criteria provided, single submitter. Criteria: Ambry Variant Classification Scheme 2023. Collection method: clinical testing. Allele origin: germline.

NM_001277313.2(FMN1):c.2044-2126C>T

Gene: FMN1 (formin 1; minus strand). Cytogenetic location: 15q13.3.
Variant type: single nucleotide variant.
Coding change: c.2044-2126C>T on transcript NM_001277313.2 (MANE Select); 2126 bases into the intron before coding-DNA position 2044, C replaced by T.
Molecular consequence: intron variant. On other transcripts: missense variant (1).
Genome position (GRCh38, 1-based): chr15:33,067,200, G>A on the plus strand (C>T on the coding strand, the complement: FMN1 is on the minus strand). VCF-style: chr15-33067200-G-A. GRCh37 (hg19) VCF-style: chr15-33359401-G-A.
Other names: c.685C>T, p.Arg229Cys (NM_001103184.4); short protein forms R229C.
Identifiers: ClinVar variation 2371220 (VCV002371220.5), dbSNP rs377620967, ClinGen allele CA7457294.